The following is an entry in ClinVar:

ClinVar aggregate classification (germline): Uncertain significance (1 of 4 stars; one submission).

Conditions:
Hereditary cancer-predisposing syndrome. Also called: Tumor predisposition; Hereditary neoplastic syndrome; Hereditary Cancer Syndrome; Neoplastic Syndromes, Hereditary. Identifiers: Orphanet 140162, MedGen C0027672, MeSH D009386, MONDO:0015356.

Submission:

Ambry Genetics
Classification: Uncertain significance for Hereditary cancer-predisposing syndrome. Last evaluated: 2025-04-25. Review status: criteria provided, single submitter. Criteria: Ambry Variant Classification Scheme 2023. Collection method: clinical testing. Allele origin: germline.
Comment: The c.5069-5C>A intronic variant results from a C to A substitution 5 nucleotides upstream from coding exon 39 in the TSC2 gene. This nucleotide position is well conserved in available vertebrate species. In silico splice site analysis predicts that this alteration will not have any significant effect on splicing. Based on the available evidence, the clinical significance of this variant remains unclear.

NM_000548.5(TSC2):c.5069-5C>A

Gene: TSC2 (TSC complex subunit 2; plus strand). Cytogenetic location: 16p13.3.
Variant type: single nucleotide variant.
Coding change: c.5069-5C>A on transcript NM_000548.5 (MANE Select); 5 bases into the intron before coding-DNA position 5069, C replaced by A.
Molecular consequence: intron variant.
Genome position (GRCh38, 1-based): chr16:2,088,043, C>A. VCF-style: chr16-2088043-C-A. GRCh37 (hg19) VCF-style: chr16-2138044-C-A.
Other names: c.4268-5C>A (NM_001406687.1, NM_001406688.1); c.3656-5C>A (NM_001406689.1); c.3596-5C>A (NM_001406690.1); c.3527-5C>A (NM_001406692.1, NM_001406694.1, NM_001406693.1); c.3593-5C>A (NM_001406691.1); c.3524-5C>A (NM_001406697.1, NM_001406695.1, NM_001406696.1); c.3266-5C>A (NM_001406698.1); c.5000-5C>A (NM_001114382.3); and 26 more.
Identifiers: ClinVar variation 3974649 (VCV003974649.1).